The following is an entry in ClinVar:

ClinVar aggregate classification (germline): Conflicting classifications of pathogenicity. Review status: criteria provided, conflicting classifications (1 of 4 stars). 3 submissions from 3 submitters: Uncertain significance (1); Benign (1); Likely benign (1). Last evaluated 2026-01-26.

Allele frequency attached by ClinVar (database versions not stated): gnomAD exomes 0.00003 and 0.00010; ExAC 0.00017; TOPMed 0.00039; gnomAD 0.00040 and 0.00045; 1000 Genomes Project 30x 0.00047; ESP Exome Variant Server 0.00054; 1000 Genomes Project 0.00060.
gnomAD v4.1: 110 of 1,611,450 alleles (0.0068%); highest among the groups gnomAD compares: African/African-American, 0.12%; no homozygotes.

Submissions (3):

Labcorp Genetics (formerly Invitae), Labcorp
Classification: Uncertain significance. Last evaluated: 2026-01-26. Review status: criteria provided, single submitter. Criteria: Invitae Variant Classification Sherloc (09022015). Collection method: clinical testing. Allele origin: germline.
Comment: This sequence change replaces glutamic acid, which is acidic and polar, with aspartic acid, which is acidic and polar, at codon 126 of the RASA2 protein (p.Glu126Asp). This variant is present in population databases (rs144759014, gnomAD 0.2%), and has an allele count higher than expected for a pathogenic variant. This variant has not been reported in the literature in individuals affected with RASA2-related conditions. ClinVar contains an entry for this variant (Variation ID: 1281504). Invitae Evidence Modeling of protein sequence and biophysical properties (such as structural, functional, and spatial information, amino acid conservation, physicochemical variation, residue mobility, and thermodynamic stability) indicates that this missense variant is not expected to disrupt RASA2 protein function with a negative predictive value of 80%. In summary, the available evidence is currently insufficient to determine the role of this variant in disease. Therefore, it has been classified as a Variant of Uncertain Significance.

Women's Health and Genetics/Laboratory Corporation of America, LabCorp
Classification: Likely benign. Last evaluated: 2023-11-06. Review status: criteria provided, single submitter. Criteria: LabCorp Variant Classification Summary - May 2015. Collection method: clinical testing. Allele origin: germline.

GeneDx
Classification: Benign. Last evaluated: 2021-04-25. Review status: criteria provided, single submitter. Criteria: GeneDx Variant Classification Process June 2021. Collection method: clinical testing. Allele origin: germline. Affected: yes.

NM_006506.5(RASA2):c.378A>C (p.Glu126Asp)

Gene: RASA2 (RAS p21 protein activator 2; plus strand). Cytogenetic location: 3q23.
Variant type: single nucleotide variant.
Coding change: c.378A>C on transcript NM_006506.5 (MANE Select); coding-DNA position 378, A replaced by C.
Protein change: p.Glu126Asp; replaces glutamic acid 126 with aspartic acid.
Molecular consequence: missense variant.
Genome position (GRCh38, 1-based): chr3:141,529,730, A>C. VCF-style: chr3-141529730-A-C. GRCh37 (hg19) VCF-style: chr3-141248572-A-C.
Other names: c.378A>C, p.Glu126Asp (NM_001303245.3, NM_001303246.3); short protein forms E126D.
Identifiers: ClinVar variation 1281504 (VCV001281504.8), dbSNP rs144759014, ClinGen allele CA2645179.